The following is an entry in ClinVar:

ClinVar aggregate classification (germline): Uncertain significance (1 of 4 stars; one submission).

Conditions:
Autosomal dominant childhood-onset proximal spinal muscular atrophy with contractures (SMALED2A). Also called: Spinal muscular atrophy, lower extremity-predominant, 2A, autosomal dominant; SPINAL MUSCULAR ATROPHY, LOWER EXTREMITY-PREDOMINANT, 2A, CHILDHOOD ONSET, AUTOSOMAL DOMINANT. Identifiers: Orphanet 363447, Orphanet 363454, MedGen C4747715, MONDO:0014121, OMIM 615290.

gnomAD v4.1: 4 of 1,612,690 alleles (0.00025%); highest among the groups gnomAD compares: African/African-American, 0.0013%; no homozygotes.

Submission:

Labcorp Genetics (formerly Invitae), Labcorp
Classification: Uncertain significance for Autosomal dominant childhood-onset proximal spinal muscular atrophy with contractures. Last evaluated: 2025-09-09. Review status: criteria provided, single submitter. Criteria: Invitae Variant Classification Sherloc (09022015). Collection method: clinical testing. Allele origin: germline.
Comment: This sequence change replaces aspartic acid, which is acidic and polar, with asparagine, which is neutral and polar, at codon 511 of the BICD2 protein (p.Asp511Asn). This variant is not present in population databases (gnomAD no frequency). This variant has not been reported in the literature in individuals affected with BICD2-related conditions. Invitae Evidence Modeling of protein sequence and biophysical properties (such as structural, functional, and spatial information, amino acid conservation, physicochemical variation, residue mobility, and thermodynamic stability) indicates that this missense variant is not expected to disrupt BICD2 protein function with a negative predictive value of 80%. In summary, the available evidence is currently insufficient to determine the role of this variant in disease. Therefore, it has been classified as a Variant of Uncertain Significance.

NM_001003800.2(BICD2):c.1531G>A (p.Asp511Asn)

Gene: BICD2 (BICD cargo adaptor 2; minus strand). Cytogenetic location: 9q22.31.
Variant type: single nucleotide variant.
Coding change: c.1531G>A on transcript NM_001003800.2 (MANE Select); coding-DNA position 1531, G replaced by A.
Protein change: p.Asp511Asn; replaces aspartic acid 511 with asparagine.
Molecular consequence: missense variant.
Genome position (GRCh38, 1-based): chr9:92,719,114, C>T on the plus strand (G>A on the coding strand, the complement: BICD2 is on the minus strand). VCF-style: chr9-92719114-C-T. GRCh37 (hg19) VCF-style: chr9-95481396-C-T.
Other names: c.1531G>A, p.Asp511Asn (NM_015250.4); short protein forms D511N.
Identifiers: ClinVar variation 4708490 (VCV004708490.1).
Genomic context (GRCh38, chr9:92,719,114, plus strand): 5'-TGAAGGTCACCAGCTCATCCTGGGCCACACTCAGGCTGCCCTGTGTCTCGCCGGCGACGT[C>T]GCTCACCTTCTTTAGCTCCTTCTCCAGCCGGGCCAGCAGCTCGCGGTCCTGGCGGCTGGC-3'
Protein context (NP_001003800.1, residues 501-521): RLEKELKKVS[Asp511Asn]VAGETQGSLS